The following is an entry in ClinVar:

ClinVar aggregate classification (germline): Uncertain significance. Review status: criteria provided, multiple submitters, no conflicts (2 of 4 stars). 2 submissions from 2 submitters: Uncertain significance (2). Last evaluated 2023-12-07.

Conditions:
Holocarboxylase synthetase deficiency. Also called: MULTIPLE CARBOXYLASE DEFICIENCY, EARLY ONSET. Identifiers: Orphanet 79242, MedGen C0268581, MONDO:0009666, OMIM 253270.

Allele frequency attached by ClinVar (database versions not stated): ExAC 0.00001; gnomAD 0.00001; TOPMed 0.00001; gnomAD exomes 0.00002.
gnomAD v4.1: 16 of 1,588,934 alleles (0.001%); highest among the groups gnomAD compares: Non-Finnish European, 0.0013%; no homozygotes.

Submissions (2):

Women's Health and Genetics/Laboratory Corporation of America, LabCorp
Classification: Uncertain significance. Last evaluated: 2023-12-07. Review status: criteria provided, single submitter. Criteria: LabCorp Variant Classification Summary - May 2015. Collection method: clinical testing. Allele origin: germline.

Labcorp Genetics (formerly Invitae), Labcorp
Classification: Uncertain significance for Holocarboxylase synthetase deficiency. Last evaluated: 2021-04-27. Review status: criteria provided, single submitter. Criteria: Invitae Variant Classification Sherloc (09022015). Collection method: clinical testing. Allele origin: germline.
Comment: This sequence change falls in intron 11 of the HLCS gene. It does not directly change the encoded amino acid sequence of the HLCS protein. It affects a nucleotide within the consensus splice site of the intron. This variant is present in population databases (rs747420311, ExAC 0.001%). This variant has not been reported in the literature in individuals with HLCS-related conditions. Nucleotide substitutions within the consensus splice site are a relatively common cause of aberrant splicing (PMID: 17576681, 9536098). Algorithms developed to predict the effect of sequence changes on RNA splicing suggest that this variant may disrupt the consensus splice site, but this prediction has not been confirmed by published transcriptional studies. In summary, the available evidence is currently insufficient to determine the role of this variant in disease. Therefore, it has been classified as a Variant of Uncertain Significance.

Literature cited by the submitters: PubMed 17576681 (cited by Labcorp Genetics (formerly Invitae), Labcorp); PubMed 9536098 (cited by Labcorp Genetics (formerly Invitae), Labcorp).

NM_001352514.2(HLCS):c.2450+4A>G

Gene: HLCS (holocarboxylase synthetase; minus strand). Cytogenetic location: 21q22.13.
Variant type: single nucleotide variant.
Coding change: c.2450+4A>G on transcript NM_001352514.2 (MANE Select); 4 bases into the intron after coding-DNA position 2450, A replaced by G.
Molecular consequence: intron variant.
Genome position (GRCh38, 1-based): chr21:36,756,538, T>C on the plus strand (A>G on the coding strand, the complement: HLCS is on the minus strand). VCF-style: chr21-36756538-T-C. GRCh37 (hg19) VCF-style: chr21-38128839-T-C.
Other names: c.2009+4A>G (NM_001352517.1, NM_001242785.2, NM_001352515.2 and 4 more transcripts).
Identifiers: ClinVar variation 2152978 (VCV002152978.2), dbSNP rs747420311, ClinGen allele CA10020263.